The following is an entry in ClinVar:

ClinVar aggregate classification (germline): Likely benign (1 of 4 stars; one submission).

Allele frequency attached by ClinVar (database versions not stated): ExAC 0.00093; gnomAD 0.00285; 1000 Genomes Project 30x 0.00312; ESP Exome Variant Server 0.00423; 1000 Genomes Project 0.00319; TOPMed 0.00340.
gnomAD v4.1: 907 of 1,614,062 alleles (0.056%); highest among the groups gnomAD compares: African/African-American, 0.99%; 2 homozygotes.

Submission:

CeGaT Center for Human Genetics Tuebingen
Classification: Likely benign. Last evaluated: 2022-12-01. Review status: criteria provided, single submitter. Criteria: CeGaT Center For Human Genetics Tuebingen Variant Classification Criteria Version 2. Collection method: clinical testing. Allele origin: germline. Affected: yes. Observed: 1 variant allele.
Comment: BMP8B: BP4, BP7

NM_001720.5(BMP8B):c.1095G>A (p.Ala365=)

Genes: BMP8B (bone morphogenetic protein 8b; minus strand), PPIE (peptidylprolyl isomerase E; plus strand). Cytogenetic location: 1p34.2.
Variant type: single nucleotide variant.
Coding change: c.1095G>A on transcript NM_001720.5 (MANE Select); coding-DNA position 1095, G replaced by A.
Protein change: p.Ala365=; no amino-acid change (alanine 365 retained).
Molecular consequence: synonymous variant. On other transcripts: intron variant (3).
Genome position (GRCh38, 1-based): chr1:39,760,533, C>T on the plus strand (G>A on the coding strand, the complement: BMP8B is on the minus strand). VCF-style: chr1-39760533-C-T. GRCh37 (hg19) VCF-style: chr1-40226205-C-T.
Other names: c.838-1984C>T (NM_001195007.2); c.838-3156C>T (NM_203456.3); c.799-3156C>T (NM_001319293.2).
Identifiers: ClinVar variation 2638715 (VCV002638715.22), dbSNP rs140672744, ClinGen allele CA787204.